The following is an entry in ClinVar:

ClinVar aggregate classification (germline): Likely benign. Review status: criteria provided, multiple submitters, no conflicts (2 of 4 stars). 4 submissions from 4 submitters: Likely benign (4). Last evaluated 2025-12-26.

Conditions:
DYNC1H1-related disorder. Also called: DYNC1H1-related condition; DYNC1H1-related disorders. Identifiers: MedGen CN381529.
Inborn genetic diseases. Identifiers: MedGen C0950123, MeSH D030342.
Charcot-Marie-Tooth disease axonal type 2O. Also called: Charcot-Marie-Tooth disease, axonal, type 20; Charcot-Marie-Tooth Neuropathy Type 2O; CHARCOT-MARIE-TOOTH NEUROPATHY, AXONAL, TYPE 2O; CHARCOT-MARIE-TOOTH DISEASE, AXONAL, AUTOSOMAL DOMINANT, TYPE 2O. Identifiers: Orphanet 284232, MedGen C3280220, MONDO:0013644, OMIM 614228.

Allele frequency attached by ClinVar (database versions not stated): ExAC 0.00005; gnomAD exomes 0.00006; TOPMed 0.00022; 1000 Genomes Project 30x 0.00031; 1000 Genomes Project 0.00040.
gnomAD v4.1: 71 of 1,614,172 alleles (0.0044%); highest among the groups gnomAD compares: African/African-American, 0.063%; 1 homozygote.

Submissions (4):

PreventionGenetics, part of Exact Sciences
Classification: Likely benign for DYNC1H1-related condition. Last evaluated: 2025-12-26. Review status: criteria provided, single submitter. Criteria: ACMG Guidelines, 2015. Collection method: clinical testing. Allele origin: germline.
Comment: This variant is classified as likely benign based on ACMG/AMP sequence variant interpretation guidelines (Richards et al. 2015 PMID: 25741868, with internal and published modifications).

Labcorp Genetics (formerly Invitae), Labcorp
Classification: Likely benign for Charcot-Marie-Tooth disease axonal type 2O. Last evaluated: 2025-10-02. Review status: criteria provided, single submitter. Criteria: Invitae Variant Classification Sherloc (09022015). Collection method: clinical testing. Allele origin: germline.

GeneDx
Classification: Likely benign. Last evaluated: 2020-07-08. Review status: criteria provided, single submitter. Criteria: GeneDx Variant Classification Process June 2021. Collection method: clinical testing. Allele origin: germline. Affected: yes.

Ambry Genetics
Classification: Likely benign for Inborn genetic diseases. Last evaluated: 2017-07-18. Review status: criteria provided, single submitter. Criteria: Ambry Variant Classification Scheme 2023. Collection method: clinical testing. Allele origin: germline.

NM_001376.5(DYNC1H1):c.9402G>A (p.Pro3134=)

Genes: DYNC1H1 (dynein cytoplasmic 1 heavy chain 1; plus strand), LOC126862060 (BRD4-independent group 4 enhancer GRCh37_chr14:102493659-102494858; plus strand). Cytogenetic location: 14q32.31.
Variant type: single nucleotide variant.
Coding change: c.9402G>A on transcript NM_001376.5 (MANE Select); coding-DNA position 9402, G replaced by A.
Protein change: p.Pro3134=; no amino-acid change (proline 3134 retained).
Molecular consequence: synonymous variant.
Genome position (GRCh38, 1-based): chr14:102,028,075, G>A. VCF-style: chr14-102028075-G-A. GRCh37 (hg19) VCF-style: chr14-102494412-G-A.
Identifiers: ClinVar variation 387099 (VCV000387099.16), dbSNP rs145095254, ClinGen allele CA7353216.